The following is an entry in ClinVar:

NM_001271.4(CHD2):c.4956C>G (p.Asn1652Lys)

Gene: CHD2 (chromodomain helicase DNA binding protein 2; plus strand). Cytogenetic location: 15q26.1.
Variant type: single nucleotide variant.
Coding change: c.4956C>G on transcript NM_001271.4 (MANE Select); coding-DNA position 4956, C replaced by G.
Protein change: p.Asn1652Lys; replaces asparagine 1652 with lysine.
Molecular consequence: missense variant.
Genome position (GRCh38, 1-based): chr15:93,020,061, C>G. VCF-style: chr15-93020061-C-G. GRCh37 (hg19) VCF-style: chr15-93563291-C-G.
Other names: short protein forms N1652K.
Identifiers: ClinVar variation 934466 (VCV000934466.10), dbSNP rs200979907, ClinGen allele CA393907546.

ClinVar aggregate classification (germline): Uncertain significance (1 of 4 stars; one submission).

Conditions:
Developmental and epileptic encephalopathy 94 (DEE94). Also called: Epileptic encephalopathy, childhood-onset; CHD2-Related Neurodevelopmental Disorders. Identifiers: Orphanet 1942, Orphanet 2382, MedGen C3809278, MONDO:0014150, OMIM 615369.

Submission:

Labcorp Genetics (formerly Invitae), Labcorp
Classification: Uncertain significance for Developmental and epileptic encephalopathy 94. Last evaluated: 2022-02-24. Review status: criteria provided, single submitter. Criteria: Invitae Variant Classification Sherloc (09022015). Collection method: clinical testing. Allele origin: germline.
Comment: In summary, the available evidence is currently insufficient to determine the role of this variant in disease. Therefore, it has been classified as a Variant of Uncertain Significance. Advanced modeling of protein sequence and biophysical properties (such as structural, functional, and spatial information, amino acid conservation, physicochemical variation, residue mobility, and thermodynamic stability) performed at Invitae indicates that this missense variant is not expected to disrupt CHD2 protein function. ClinVar contains an entry for this variant (Variation ID: 934466). This variant has not been reported in the literature in individuals affected with CHD2-related conditions. This variant is not present in population databases (gnomAD no frequency). This sequence change replaces asparagine, which is neutral and polar, with lysine, which is basic and polar, at codon 1652 of the CHD2 protein (p.Asn1652Lys).